The following is an entry in ClinVar:

NM_006389.5(HYOU1):c.1193A>G (p.Lys398Arg)

Genes: HYOU1 (hypoxia up-regulated 1; minus strand), LOC130006884 (ATAC-STARR-seq lymphoblastoid active region 5617; plus strand). Cytogenetic location: 11q23.3.
Variant type: single nucleotide variant.
Coding change: c.1193A>G on transcript NM_006389.5 (MANE Select); coding-DNA position 1193, A replaced by G.
Protein change: p.Lys398Arg; replaces lysine 398 with arginine.
Molecular consequence: missense variant.
Genome position (GRCh38, 1-based): chr11:119,052,102, T>C on the plus strand (A>G on the coding strand, the complement: HYOU1 is on the minus strand). VCF-style: chr11-119052102-T-C. GRCh37 (hg19) VCF-style: chr11-118922814-T-C.
Other names: c.1193A>G, p.Lys398Arg (NM_001130991.3); short protein forms K398R.
Identifiers: ClinVar variation 1168782 (VCV001168782.33), dbSNP rs118151170, ClinGen allele CA229622840.
Genomic context (GRCh38, chr11:119,052,102, plus strand): 5'-CCCTGCCCCAGGCAGAACTCAGCCAAGCGCTCTAGCCCCCACACTCACTTGCCCACGGCC[T>C]TCAGCAGCACCTCCTGAACTCTGGGGACCCGAGTGGCCCCACCCACCAGGATCACCTGCT-3'
Protein context (NP_006380.1, residues 388-408): RVPRVQEVLL[Lys398Arg]AVGKEELGKN

ClinVar aggregate classification (germline): Benign/Likely benign. Review status: criteria provided, multiple submitters, no conflicts (2 of 4 stars). 4 submissions from 4 submitters: Benign (2); Likely benign (2). Last evaluated 2026-09-01.

Allele frequency attached by ClinVar (database versions not stated): 1000 Genomes Project 30x 0.00187; TOPMed 0.00303; gnomAD exomes 0.00545; gnomAD 0.00548 and 0.00566.
gnomAD v4.1: 8,836 of 1,614,172 alleles (0.55%); highest among the groups gnomAD compares: Non-Finnish European, 0.51%; 65 homozygotes.

Submissions (4):

CeGaT Center for Human Genetics Tuebingen
Classification: Likely benign. Last evaluated: 2026-09-01. Review status: criteria provided, single submitter. Criteria: CeGaT Center For Human Genetics Tuebingen Variant Classification Criteria Version 2. Collection method: clinical testing. Allele origin: germline. Affected: yes. Observed: 4 variant alleles.
Comment: HYOU1: BS2

Labcorp Genetics (formerly Invitae), Labcorp
Classification: Benign. Last evaluated: 2026-02-02. Review status: criteria provided, single submitter. Criteria: Invitae Variant Classification Sherloc (09022015). Collection method: clinical testing. Allele origin: germline.

Women's Health and Genetics/Laboratory Corporation of America, LabCorp
Classification: Likely benign. Last evaluated: 2026-01-30. Review status: criteria provided, single submitter. Criteria: LabCorp Variant Classification Summary - May 2015. Collection method: clinical testing. Allele origin: germline.
Comment: Variant summary: HYOU1 c.1193A>G (p.Lys398Arg) results in a conservative amino acid change in the encoded protein sequence. Algorithms developed to predict the effect of missense changes on protein structure and function are either unavailable or do not agree on the potential impact of this missense change. The variant allele was found at a frequency of 0.006 in 251384 control chromosomes in the gnomAD database, including 8 homozygotes. The observed variant frequency exceeds the estimated maximal expected allele frequency for disease-causing variants in HYOU1. To our knowledge, no occurrence of c.1193A>G in individuals affected with HYOU1-related conditions and no experimental evidence demonstrating its impact on protein function have been reported. ClinVar contains an entry for this variant (Variation ID: 1168782). Based on the evidence outlined above, the variant was classified as likely benign.

Breakthrough Genomics
Classification: Benign. Review status: criteria provided, single submitter. Criteria: ACMG Guidelines, 2015. Collection method: not provided. Allele origin: germline. Inheritance: Autosomal recessive inheritance. Affected: yes.